The following is an entry in ClinVar:

NM_001378452.1(ITPR1):c.255C>T (p.Asp85=)

Gene: ITPR1 (inositol 1,4,5-trisphosphate receptor type 1; plus strand). Cytogenetic location: 3p26.1.
Variant type: single nucleotide variant.
Coding change: c.255C>T on transcript NM_001378452.1 (MANE Select); coding-DNA position 255, C replaced by T.
Protein change: p.Asp85=; no amino-acid change (aspartic acid 85 retained).
Molecular consequence: synonymous variant.
Genome position (GRCh38, 1-based): chr3:4,627,854, C>T. VCF-style: chr3-4627854-C-T. GRCh37 (hg19) VCF-style: chr3-4669538-C-T.
Other names: c.255C>T, p.Asp85= (NM_001099952.4, NM_001168272.2, NM_002222.7).
Identifiers: ClinVar variation 345545 (VCV000345545.12), dbSNP rs367814655, ClinGen allele CA2230833.

ClinVar aggregate classification (germline): Conflicting classifications of pathogenicity. Review status: criteria provided, conflicting classifications (1 of 4 stars). 4 submissions from 4 submitters: Uncertain significance (1); Benign (1); Likely benign (1). 1 of the submissions does not count toward it. Last evaluated 2025-12-03.

Conditions:
Autosomal dominant cerebellar ataxia. Also called: Spinocerebellar Ataxia, Dominant. Identifiers: Orphanet 99, MedGen C4087347, MONDO:0020380.
ITPR1-related disorder. Also called: ITPR1-related condition.

Allele frequency attached by ClinVar (database versions not stated): ExAC 0.00017; gnomAD exomes 0.00019; gnomAD 0.00023 and 0.00025; TOPMed 0.00027; ESP Exome Variant Server 0.00032.
gnomAD v4.1: 611 of 1,612,872 alleles (0.038%); highest among the groups gnomAD compares: Non-Finnish European, 0.046%; 1 homozygote.

Submissions (4):

Labcorp Genetics (formerly Invitae), Labcorp
Classification: Likely benign. Last evaluated: 2025-12-03. Review status: criteria provided, single submitter. Criteria: Invitae Variant Classification Sherloc (09022015). Collection method: clinical testing. Allele origin: germline.

Athena Diagnostics
Classification: Benign. Last evaluated: 2021-05-05. Review status: criteria provided, single submitter. Criteria: Athena Diagnostics criteria. Collection method: clinical testing. Allele origin: unknown.

Illumina Laboratory Services, Illumina
Classification: Uncertain significance for Spinocerebellar Ataxia, Dominant. Last evaluated: 2018-01-12. Review status: criteria provided, single submitter. Criteria: ICSL Variant Classification Criteria 13 December 2019. Collection method: clinical testing. Allele origin: germline.

PreventionGenetics, part of Exact Sciences
Classification: Likely benign for ITPR1-related condition. Last evaluated: 2023-11-29. Review status: no assertion criteria provided. Collection method: clinical testing. Allele origin: germline. Not counted in ClinVar's aggregate classification.
Comment: This variant is classified as likely benign based on ACMG/AMP sequence variant interpretation guidelines (Richards et al. 2015 PMID: 25741868, with internal and published modifications).